The following is an entry in ClinVar:

ClinVar aggregate classification (germline): Pathogenic (1 of 4 stars; one submission).

Submission:

GeneDx
Classification: Pathogenic. Last evaluated: 2018-10-29. Review status: criteria provided, single submitter. Criteria: GeneDx Variant Classification (06012015). Collection method: clinical testing. Allele origin: germline. Affected: yes.
Comment: The A173T variant in the ATRX gene has not been published as a pathogenic variant, nor as a benign variant, to our knowledge. This variant was observed as hemizygous in two male probands tested at GeneDx who had features consistent with an ATRX-related disorder. This variant is not observed in large population cohorts (Lek et al., 2016). The A173T variant is a non-conservative amino acid substitution, which is likely to impact secondary protein structure as these residues differ in polarity, charge, size and/or other properties. This substitution occurs at a conserved position within the DNA-binding ATRX-DNMT3-DNMT3L (ADD) domain of the ATRX protein, and missense variants in nearby residues (G175E and V178D) have been reported in the Human Gene Mutation Database in association with ATRX-related disorders (Stenson et al., 2014), supporting the functional importance of this region of the protein. We interpret A173T as a pathogenic variant.

NM_000489.6(ATRX):c.517G>A (p.Ala173Thr)

Gene: ATRX (ATRX chromatin remodeler; minus strand). Cytogenetic location: Xq21.1.
Variant type: single nucleotide variant.
Coding change: c.517G>A on transcript NM_000489.6 (MANE Select); coding-DNA position 517, G replaced by A.
Protein change: p.Ala173Thr; replaces alanine 173 with threonine.
Molecular consequence: missense variant.
Genome position (GRCh38, 1-based): chrX:77,688,895, C>T on the plus strand (G>A on the coding strand, the complement: ATRX is on the minus strand). VCF-style: chrX-77688895-C-T. GRCh37 (hg19) VCF-style: chrX-76944388-C-T.
Other names: c.403G>A, p.Ala135Thr (NM_138270.5); short protein forms A173T, A135T.
Identifiers: ClinVar variation 421368 (VCV000421368.2), dbSNP rs1064795090, ClinGen allele CA16621508.